The following is an entry in ClinVar:

NM_001165963.4(SCN1A):c.5143A>T (p.Ile1715Phe)

Genes: SCN1A (sodium voltage-gated channel alpha subunit 1; minus strand), LOC102724058 (uncharacterized LOC102724058; plus strand). Cytogenetic location: 2q24.3.
Variant type: single nucleotide variant.
Coding change: c.5143A>T on transcript NM_001165963.4 (MANE Select); coding-DNA position 5143, A replaced by T.
Protein change: p.Ile1715Phe; replaces isoleucine 1715 with phenylalanine.
Molecular consequence: missense variant. On other transcripts: non-coding transcript variant (1).
Genome position (GRCh38, 1-based): chr2:165,992,132, T>A on the plus strand (A>T on the coding strand, the complement: SCN1A is on the minus strand). VCF-style: chr2-165992132-T-A. GRCh37 (hg19) VCF-style: chr2-166848642-T-A.
Other names: c.5110A>T, p.Ile1704Phe (NM_001353952.2, NM_006920.6, NM_001353949.2 and 2 more transcripts); c.5107A>T, p.Ile1703Phe (NM_001353954.2, NM_001353955.2); c.5059A>T, p.Ile1687Phe (NM_001353957.2, NM_001353958.2, NM_001165964.3); c.5056A>T, p.Ile1686Phe (NM_001353960.2); c.2701A>T, p.Ile901Phe (NM_001353961.2); c.5143A>T, p.Ile1715Phe (NM_001202435.3, NM_001353948.2); short protein forms I1715F, I1687F, I901F, I1686F, I1704F, I1703F.
Identifiers: ClinVar variation 2762138 (VCV002762138.3), dbSNP rs2468336852, ClinGen allele CA349068946.

ClinVar aggregate classification (germline): Uncertain significance (1 of 4 stars; one submission).

Conditions:
Early-infantile DEE. Also called: Ohtahara syndrome; Early infantile epileptic encephalopathy; Early infantile epileptic encephalopathy with suppression bursts. Identifiers: Orphanet 1934, MedGen C0393706, MONDO:0800491.

Submission:

Labcorp Genetics (formerly Invitae), Labcorp
Classification: Uncertain significance for Early-infantile DEE. Last evaluated: 2023-09-20. Review status: criteria provided, single submitter. Criteria: Invitae Variant Classification Sherloc (09022015). Collection method: clinical testing. Allele origin: germline.
Comment: This variant is not present in population databases (gnomAD no frequency). This variant has not been reported in the literature in individuals affected with SCN1A-related conditions. Advanced modeling of protein sequence and biophysical properties (such as structural, functional, and spatial information, amino acid conservation, physicochemical variation, residue mobility, and thermodynamic stability) performed at Invitae indicates that this missense variant is expected to disrupt SCN1A protein function. In summary, the available evidence is currently insufficient to determine the role of this variant in disease. Therefore, it has been classified as a Variant of Uncertain Significance. This sequence change replaces isoleucine, which is neutral and non-polar, with phenylalanine, which is neutral and non-polar, at codon 1715 of the SCN1A protein (p.Ile1715Phe).